The following is an entry in ClinVar:

ClinVar aggregate classification (germline): Uncertain significance (1 of 4 stars; one submission).

Conditions:
Developmental and epileptic encephalopathy, 32 (DEE32). Also called: Epileptic encephalopathy, early infantile, 32. Identifiers: Orphanet 442835, MedGen C4225350, MONDO:0014607, OMIM 616366.

Submission:

Labcorp Genetics (formerly Invitae), Labcorp
Classification: Uncertain significance for Developmental and epileptic encephalopathy, 32. Last evaluated: 2024-10-27. Review status: criteria provided, single submitter. Criteria: Invitae Variant Classification Sherloc (09022015). Collection method: clinical testing. Allele origin: germline.
Comment: This sequence change replaces alanine, which is neutral and non-polar, with threonine, which is neutral and polar, at codon 323 of the KCNA2 protein (p.Ala323Thr). This variant is not present in population databases (gnomAD no frequency). This variant has not been reported in the literature in individuals affected with KCNA2-related conditions. Invitae Evidence Modeling of protein sequence and biophysical properties (such as structural, functional, and spatial information, amino acid conservation, physicochemical variation, residue mobility, and thermodynamic stability) has been performed for this missense variant. However, the output from this modeling did not meet the statistical confidence thresholds required to predict the impact of this variant on KCNA2 protein function. In summary, the available evidence is currently insufficient to determine the role of this variant in disease. Therefore, it has been classified as a Variant of Uncertain Significance.

NM_004974.4(KCNA2):c.967G>A (p.Ala323Thr)

Gene: KCNA2 (potassium voltage-gated channel subfamily A member 2; minus strand). Cytogenetic location: 1p13.3.
Variant type: single nucleotide variant.
Coding change: c.967G>A on transcript NM_004974.4 (MANE Select); coding-DNA position 967, G replaced by A.
Protein change: p.Ala323Thr; replaces alanine 323 with threonine.
Molecular consequence: missense variant. On other transcripts: intron variant (1).
Genome position (GRCh38, 1-based): chr1:110,603,816, C>T on the plus strand (G>A on the coding strand, the complement: KCNA2 is on the minus strand). VCF-style: chr1-110603816-C-T. GRCh37 (hg19) VCF-style: chr1-111146438-C-T.
Other names: c.894+73G>A (NM_001204269.2); short protein forms A323T.
Identifiers: ClinVar variation 3720962 (VCV003720962.2).
Genomic context (GRCh38, chr1:110,603,816, plus strand): 5'-AGAAAAGGATGACCCCTATGAAGAGAAAGAATATCAGGAGGCCCAATTCTCTCATGCTGG[C>T]TTTGAGGGTCTGACCTAGAATCTGGAGACCTTTGGAGTGTCTGGACAACTTGAAAATCCT-3'
Protein context (NP_004965.1, residues 313-333): GLQILGQTLK[Ala323Thr]SMRELGLLIF